The following is an entry in ClinVar:

ClinVar aggregate classification (germline): Likely benign. Review status: criteria provided, multiple submitters, no conflicts (2 of 4 stars). 3 submissions from 3 submitters: Likely benign (2). 1 of the submissions does not count toward it. Last evaluated 2025-12-16.

Conditions:
COL4A1-related disorder. Also called: COL4A1-related condition; COL4A1-related disorders. Identifiers: MedGen CN376119, MONDO:0800461.

Allele frequency attached by ClinVar (database versions not stated): gnomAD exomes below 0.00001 and 0.00003; gnomAD 0.00001 and 0.00002; TOPMed 0.00001.
gnomAD v4.1: 45 of 1,614,082 alleles (0.0028%); highest among the groups gnomAD compares: Non-Finnish European, 0.0036%; no homozygotes.

Submissions (3):

Labcorp Genetics (formerly Invitae), Labcorp
Classification: Likely benign. Last evaluated: 2025-12-16. Review status: criteria provided, single submitter. Criteria: Invitae Variant Classification Sherloc (09022015). Collection method: clinical testing. Allele origin: germline.

Blueprint Genetics
Classification: Likely benign. Last evaluated: 2022-12-12. Review status: criteria provided, single submitter. Criteria: ACMG Guidelines, 2015. Collection method: clinical testing. Allele origin: germline.

PreventionGenetics, part of Exact Sciences
Classification: Likely benign for COL4A1-related condition. Last evaluated: 2021-02-02. Review status: no assertion criteria provided. Collection method: clinical testing. Allele origin: germline. Not counted in ClinVar's aggregate classification.
Comment: This variant is classified as likely benign based on ACMG/AMP sequence variant interpretation guidelines (Richards et al. 2015 PMID: 25741868, with internal and published modifications).

NM_001845.6(COL4A1):c.852A>G (p.Gly284=)

Gene: COL4A1 (collagen type IV alpha 1 chain; minus strand). Cytogenetic location: 13q34.
Variant type: single nucleotide variant.
Coding change: c.852A>G on transcript NM_001845.6 (MANE Select); coding-DNA position 852, A replaced by G.
Protein change: p.Gly284=; no amino-acid change (glycine 284 retained).
Molecular consequence: synonymous variant.
Genome position (GRCh38, 1-based): chr13:110,206,671, T>C on the plus strand (A>G on the coding strand, the complement: COL4A1 is on the minus strand). VCF-style: chr13-110206671-T-C. GRCh37 (hg19) VCF-style: chr13-110859018-T-C.
Other names: c.852A>G (NM_001845.5); c.852A>G, p.Gly284= (NM_001303110.2).
Identifiers: ClinVar variation 1642430 (VCV001642430.11), dbSNP rs1440967031, ClinGen allele CA484791519.
Genomic context (GRCh38, chr13:110,206,671, plus strand): 5'-TTCCGCATGGAAGGAGAATTGTTTTATGATAAAAGGACTTTGGAAAGCACTTACTCTGGG[T>C]CCTGGTTTTCCGGGTTCACCTTTCTCTCCGACCCCTGGCATCCCCTTAAAGGAATAAAAA-3'
Protein context (NP_001836.3, residues 274-294): VGEKGEPGKP[Gly284=]PRGKPGKDGD